The following is an entry in ClinVar:

NM_000245.4(MET):c.1275G>A (p.Gln425=)

Gene: MET (MET proto-oncogene, receptor tyrosine kinase; plus strand). Cytogenetic location: 7q31.2.
Variant type: single nucleotide variant.
Coding change: c.1275G>A on transcript NM_000245.4 (MANE Select); coding-DNA position 1275, G replaced by A.
Protein change: p.Gln425=; no amino-acid change (glutamine 425 retained).
Molecular consequence: synonymous variant. On other transcripts: 5 prime UTR variant (1).
Genome position (GRCh38, 1-based): chr7:116,731,742, G>A. VCF-style: chr7-116731742-G-A. GRCh37 (hg19) VCF-style: chr7-116371796-G-A.
Other names: c.1275G>A, p.Gln425= (NM_001127500.3, NM_001324401.3); c.-16G>A (NM_001324402.2).
Identifiers: ClinVar variation 1766460 (VCV001766460.3), dbSNP rs201181441, ClinGen allele CA164865899.
Genomic context (GRCh38, chr7:116,731,742, plus strand): 5'-TTCATCAGGCTGTGAAGCGCGCCGTGATGAATATCGAACAGAGTTTACCACAGCTTTGCA[G>A]CGCGTTGACTTATTCATGGGTCAATTCAGCGAAGTCCTCTTAACATCTATATCCACCTTC-3'
Protein context (NP_000236.2, residues 415-435): EYRTEFTTAL[Gln425=]RVDLFMGQFS

ClinVar aggregate classification (germline): Benign/Likely benign. Review status: criteria provided, multiple submitters, no conflicts (2 of 4 stars). 2 submissions from 2 submitters: Benign (1); Likely benign (1). Last evaluated 2024-11-07.

Conditions:
Hereditary cancer-predisposing syndrome. Also called: Hereditary Cancer Syndrome; Hereditary neoplastic syndrome; Neoplastic Syndromes, Hereditary; Tumor predisposition. Identifiers: Orphanet 140162, MedGen C0027672, MeSH D009386, MONDO:0015356.
Papillary renal cell carcinoma type 1 (RCCP1). Also called: RENAL CELL CARCINOMA, PAPILLARY, 1, SOMATIC; Renal adenocarcinoma; Renal cell carcinoma 1; Renal cell carcinoma, somatic. Identifiers: Orphanet 47044, MedGen C1336839, OMIM 605074, HP:0011797.

Submissions (2):

Myriad Genetics, Inc.
Classification: Benign for Papillary renal cell carcinoma type 1. Last evaluated: 2024-11-07. Review status: criteria provided, single submitter. Criteria: Myriad Autosomal Dominant, Autosomal Recessive and X-Linked Classification Criteria (2023). Collection method: clinical testing. Allele origin: unknown.
Comment: This variant is considered benign. This variant is a silent/synonymous amino acid change and it is not expected to impact splicing.

Ambry Genetics
Classification: Likely benign for Hereditary cancer-predisposing syndrome. Last evaluated: 2021-01-15. Review status: criteria provided, single submitter. Criteria: Ambry Variant Classification Scheme 2023. Collection method: clinical testing. Allele origin: germline.